The following is an entry in ClinVar:

NM_198253.3(TERT):c.2266C>T (p.Arg756Cys)

Gene: TERT (telomerase reverse transcriptase; minus strand). Cytogenetic location: 5p15.33.
Variant type: single nucleotide variant.
Coding change: c.2266C>T on transcript NM_198253.3 (MANE Select); coding-DNA position 2266, C replaced by T.
Protein change: p.Arg756Cys; replaces arginine 756 with cysteine.
Molecular consequence: missense variant. On other transcripts: non-coding transcript variant (2).
Genome position (GRCh38, 1-based): chr5:1,278,661, G>A on the plus strand (C>T on the coding strand, the complement: TERT is on the minus strand). VCF-style: chr5-1278661-G-A. GRCh37 (hg19) VCF-style: chr5-1278776-G-A.
Other names: c.2266C>T, p.Arg756Cys (NM_001193376.3); short protein forms R756C.
Identifiers: ClinVar variation 958971 (VCV000958971.12), dbSNP rs754018580, ClinGen allele CA3184614.
Genomic context (GRCh38, chr5:1,278,661, plus strand): 5'-GACACACATCCTGGACACGACTATCACACGTGAACCTTACGTGGCTCTTGAAGGCCTTGC[G>A]GACGTGCCCATGGGCGGCCTTCTGGACCACGGCATACCGACGCACGCAGTACGTGTTCTG-3'
Protein context (NP_937983.2, residues 746-766): VVQKAAHGHV[Arg756Cys]KAFKSHVSTL

ClinVar aggregate classification (germline): Uncertain significance. Review status: criteria provided, multiple submitters, no conflicts (2 of 4 stars). 3 submissions from 3 submitters: Uncertain significance (3). Last evaluated 2026-05-06.

Conditions:
Dyskeratosis congenita, autosomal dominant 2. Identifiers: MedGen C3151443, MONDO:0013521, OMIM 613989.
Idiopathic Pulmonary Fibrosis. Also called: Idiopathic fibrosing alveolitis, chronic form; idiopathic fibrosing alveolitis. Identifiers: Orphanet 2032, MedGen C1800706, MeSH D054990, MONDO:0800504.
Dyskeratosis congenita. Identifiers: Orphanet 1775, MedGen C0265965, MONDO:0015780.

Allele frequency attached by ClinVar (database versions not stated): gnomAD exomes below 0.00001 and 0.00001; ExAC 0.00001; gnomAD 0.00001; TOPMed 0.00001.
gnomAD v4.1: 6 of 1,614,040 alleles (0.00037%); highest among the groups gnomAD compares: East Asian, 0.0022%; no homozygotes.

Submissions (3):

Ambry Genetics
Classification: Uncertain significance for Dyskeratosis congenita. Last evaluated: 2026-05-06. Review status: criteria provided, single submitter. Criteria: Ambry Variant Classification Scheme 2023. Collection method: clinical testing. Allele origin: germline.
Comment: The p.R756C variant (also known as c.2266C>T), located in coding exon 6 of the TERT gene, results from a C to T substitution at nucleotide position 2266. The arginine at codon 756 is replaced by cysteine, an amino acid with highly dissimilar properties. This variant was reported in individuals with features consistent with TERT-related disorder, including classic dyskeratosis congenita, idiopathy pulmonary fibrosis, and progressive bone marrow failure disorders (Silhan LL et al. Eur Respir J, 2014 Jul;44:178-87; Newton CA et al. Eur Respir J, 2016 Dec;48:1710-1720; Khincha PP et al. Eur Respir J, 2017 Jan;49; Dressen A et al. Lancet Respir Med, 2018 Aug;6:603-614; Marsh JCW et al. Blood Adv, 2018 Jan;2:36-48; Baratella E et al. Diagnostics (Basel), 2021 Apr;11; G&uuml;zel N et al. Blood Cancer J, 2025 Aug;15:142). This amino acid position is not well conserved in available vertebrate species. In addition, the in silico prediction for this alteration is inconclusive. Based on the available evidence, the clinical significance of this variant remains unclear.

Labcorp Genetics (formerly Invitae), Labcorp
Classification: Uncertain significance for Dyskeratosis congenita, autosomal dominant 2; Idiopathic Pulmonary Fibrosis. Last evaluated: 2024-10-26. Review status: criteria provided, single submitter. Criteria: Invitae Variant Classification Sherloc (09022015). Collection method: clinical testing. Allele origin: germline.
Comment: This sequence change replaces arginine, which is basic and polar, with cysteine, which is neutral and slightly polar, at codon 756 of the TERT protein (p.Arg756Cys). This variant is present in population databases (rs754018580, gnomAD 0.006%). This missense change has been observed in individual(s) with clinical features of dyskeratosis congenita and idiopathic pulmonary fibrosis (PMID: 24833766, 27824607). ClinVar contains an entry for this variant (Variation ID: 958971). Invitae Evidence Modeling of protein sequence and biophysical properties (such as structural, functional, and spatial information, amino acid conservation, physicochemical variation, residue mobility, and thermodynamic stability) has been performed for this missense variant. However, the output from this modeling did not meet the statistical confidence thresholds required to predict the impact of this variant on TERT protein function. In summary, the available evidence is currently insufficient to determine the role of this variant in disease. Therefore, it has been classified as a Variant of Uncertain Significance.

Blueprint Genetics
Classification: Uncertain significance. Last evaluated: 2021-05-07. Review status: criteria provided, single submitter. Criteria: ACMG Guidelines, 2015. Collection method: clinical testing. Allele origin: germline.

Literature cited by the submitters: PubMed 24833766 (cited by Ambry Genetics and Labcorp Genetics (formerly Invitae), Labcorp); PubMed 27540018 (cited by Ambry Genetics); PubMed 27824607 (cited by Ambry Genetics and Labcorp Genetics (formerly Invitae), Labcorp); PubMed 29344583 (cited by Ambry Genetics); PubMed 29891356 (cited by Ambry Genetics); PubMed 33922858 (cited by Ambry Genetics); PubMed 40854872 (cited by Ambry Genetics).